The following is an entry in ClinVar:

ClinVar aggregate classification (germline): Uncertain significance (1 of 4 stars; one submission).

Allele frequency attached by ClinVar (database versions not stated): ExAC 0.00004.

Submission:

Labcorp Genetics (formerly Invitae), Labcorp
Classification: Uncertain significance. Last evaluated: 2022-03-12. Review status: criteria provided, single submitter. Criteria: Invitae Variant Classification Sherloc (09022015). Collection method: clinical testing. Allele origin: germline.
Comment: This sequence change replaces glutamic acid, which is acidic and polar, with aspartic acid, which is acidic and polar, at codon 694 of the TRIOBP protein (p.Glu694Asp). The frequency data for this variant in the population databases is considered unreliable, as metrics indicate poor data quality at this position in the gnomAD database. This variant has not been reported in the literature in individuals affected with TRIOBP-related conditions. Algorithms developed to predict the effect of missense changes on protein structure and function output the following: SIFT: "Deleterious"; PolyPhen-2: "Benign"; Align-GVGD: "Class C0". The aspartic acid amino acid residue is found in multiple mammalian species, which suggests that this missense change does not adversely affect protein function. In summary, the available evidence is currently insufficient to determine the role of this variant in disease. Therefore, it has been classified as a Variant of Uncertain Significance.

NM_001039141.3(TRIOBP):c.2082G>C (p.Glu694Asp)

Gene: TRIOBP (TRIO and F-actin binding protein; plus strand). Cytogenetic location: 22q13.1.
Variant type: single nucleotide variant.
Coding change: c.2082G>C on transcript NM_001039141.3 (MANE Select); coding-DNA position 2082, G replaced by C.
Protein change: p.Glu694Asp; replaces glutamic acid 694 with aspartic acid.
Molecular consequence: missense variant.
Genome position (GRCh38, 1-based): chr22:37,724,638, G>C. VCF-style: chr22-37724638-G-C. GRCh37 (hg19) VCF-style: chr22-38120645-G-C.
Other names: short protein forms E694D.
Identifiers: ClinVar variation 2056036 (VCV002056036.1), dbSNP rs776073676, ClinGen allele CA10223783.
Genomic context (GRCh38, chr22:37,724,638, plus strand): 5'-ATCCTGTGCCCTACGGGACAATCCCAGAGCCTCCTCTCCCAGCAGAACCATCCAACAAGA[G>C]AACCCCAGAACATCCTGTGCCCAACGGGACGATCCCAGAGCCTCCTCTCCTAACAGAACC-3'
Protein context (NP_001034230.1, residues 684-704): ASSPSRTIQQ[Glu694Asp]NPRTSCAQRD